The following is an entry in ClinVar:

ClinVar aggregate classification (germline): Likely benign (0 of 4 stars; one submission).

Conditions:
TMPRSS15-related disorder. Also called: TMPRSS15-related condition.

gnomAD v4.1: 1 of 1,609,336 alleles (0.000062%); highest among the groups gnomAD compares: Non-Finnish European, 0.000085%; no homozygotes.

Submission:

PreventionGenetics, part of Exact Sciences
Classification: Likely benign for TMPRSS15-related condition. Last evaluated: 2024-02-13. Review status: no assertion criteria provided. Collection method: clinical testing. Allele origin: germline.
Comment: This variant is classified as likely benign based on ACMG/AMP sequence variant interpretation guidelines (Richards et al. 2015 PMID: 25741868, with internal and published modifications).

NM_002772.3(TMPRSS15):c.881-4G>C

Gene: TMPRSS15 (transmembrane serine protease 15; minus strand). Cytogenetic location: 21q21.1.
Variant type: single nucleotide variant.
Coding change: c.881-4G>C on transcript NM_002772.3 (MANE Select); 4 bases into the intron before coding-DNA position 881, G replaced by C.
Molecular consequence: intron variant.
Genome position (GRCh38, 1-based): chr21:18,353,867, C>G on the plus strand (G>C on the coding strand, the complement: TMPRSS15 is on the minus strand). VCF-style: chr21-18353867-C-G. GRCh37 (hg19) VCF-style: chr21-19726184-C-G.
Identifiers: ClinVar variation 3061454 (VCV003061454.2), dbSNP rs2075598370, ClinGen allele CA2379771049.
Genomic context (GRCh38, chr21:18,353,867, plus strand): 5'-CAGTAACTTGGTTGGAAAAAATTCTTATTGTGCCAGGATTAGTTTCCCAAATAGAAGCTA[C>G]AAAATAAAATAAACAACTGTTATATGTATATATCTATCTGTTCATCTCTCTATCCATCCA-3'